The following is an entry in ClinVar:

NM_022454.4(SOX17):c.564C>A (p.Phe188Leu)

Gene: SOX17 (SRY-box transcription factor 17; plus strand). Cytogenetic location: 8q11.23.
Variant type: single nucleotide variant.
Coding change: c.564C>A on transcript NM_022454.4 (MANE Select); coding-DNA position 564, C replaced by A.
Protein change: p.Phe188Leu; replaces phenylalanine 188 with leucine.
Molecular consequence: missense variant.
Genome position (GRCh38, 1-based): chr8:54,459,314, C>A. VCF-style: chr8-54459314-C-A. GRCh37 (hg19) VCF-style: chr8-55371874-C-A.
Other names: short protein forms F188L.
Identifiers: ClinVar variation 3167741 (VCV003167741.2), dbSNP rs1050774871, ClinGen allele CA177527801.

ClinVar aggregate classification (germline): Uncertain significance. Review status: criteria provided, multiple submitters, no conflicts (2 of 4 stars). 2 submissions from 2 submitters: Uncertain significance (2). Last evaluated 2026-01-24.

Conditions:
Inborn genetic diseases. Identifiers: MedGen C0950123, MeSH D030342.

gnomAD v4.1: 29 of 1,524,316 alleles (0.0019%); highest among the groups gnomAD compares: Non-Finnish European, 0.0024%; no homozygotes.

Submissions (2):

Labcorp Genetics (formerly Invitae), Labcorp
Classification: Uncertain significance. Last evaluated: 2026-01-24. Review status: criteria provided, single submitter. Criteria: Invitae Variant Classification Sherloc (09022015). Collection method: clinical testing. Allele origin: germline.
Comment: This sequence change replaces phenylalanine, which is neutral and non-polar, with leucine, which is neutral and non-polar, at codon 188 of the SOX17 protein (p.Phe188Leu). This variant is not present in population databases (gnomAD no frequency). This variant has not been reported in the literature in individuals affected with SOX17-related conditions. ClinVar contains an entry for this variant (Variation ID: 3167741). Invitae Evidence Modeling of protein sequence and biophysical properties (such as structural, functional, and spatial information, amino acid conservation, physicochemical variation, residue mobility, and thermodynamic stability) indicates that this missense variant is not expected to disrupt SOX17 protein function with a negative predictive value of 80%. In summary, the available evidence is currently insufficient to determine the role of this variant in disease. Therefore, it has been classified as a Variant of Uncertain Significance.

Ambry Genetics
Classification: Uncertain significance for Inborn genetic diseases. Last evaluated: 2024-01-04. Review status: criteria provided, single submitter. Criteria: Ambry Variant Classification Scheme 2023. Collection method: clinical testing. Allele origin: germline.